The following is an entry in ClinVar:

ClinVar aggregate classification (germline): Uncertain significance (1 of 4 stars; one submission).

Conditions:
Cardiomyopathy (CMYO). Also called: Cardiomyopathies. Identifiers: Orphanet 167848, MedGen C0878544, MONDO:0004994, HP:0001638. Inheritance: Various modes of inheritance.

Submission:

Color Diagnostics, LLC DBA Color Health
Classification: Uncertain significance for Cardiomyopathy. Last evaluated: 2025-06-30. Review status: criteria provided, single submitter. Criteria: ACMG Guidelines, 2015. Collection method: clinical testing. Allele origin: germline.
Comment: This missense variant replaces methionine with valine at codon 453 of the DSC2 protein. Computational prediction suggests that this variant may not impact protein structure and function. To our knowledge, functional studies have not been reported for this variant. This variant has not been reported in individuals affected with DSC2-related disorders in the literature. This variant has not been identified in the general population by the Genome Aggregation Database (gnomAD). The available evidence is insufficient to determine the role of this variant in disease conclusively. Therefore, this variant is classified as a Variant of Uncertain Significance.

NM_024422.6(DSC2):c.1357A>G (p.Met453Val)

Gene: DSC2 (desmocollin 2; minus strand). Cytogenetic location: 18q12.1.
Variant type: single nucleotide variant.
Coding change: c.1357A>G on transcript NM_024422.6 (MANE Select); coding-DNA position 1357, A replaced by G.
Protein change: p.Met453Val; replaces methionine 453 with valine.
Molecular consequence: missense variant.
Genome position (GRCh38, 1-based): chr18:31,080,259, T>C on the plus strand (A>G on the coding strand, the complement: DSC2 is on the minus strand). VCF-style: chr18-31080259-T-C. GRCh37 (hg19) VCF-style: chr18-28660225-T-C.
Other names: c.928A>G, p.Met310Val (NM_001406507.1, NM_001406506.1); c.1357A>G, p.Met453Val (NM_004949.5); short protein forms M310V, M453V.
Identifiers: ClinVar variation 4757470 (VCV004757470.1).
Genomic context (GRCh38, chr18:31,080,259, plus strand): 5'-GGTTACACTCAGGGCCCTCATCCTGATCTTCTACATTAACAGTAACTGTTGCTGTGCTCA[T>C]GGCTGATCTTGGACTAGCCTCTCTGGAAAATGGAGCTTCATTAACTACACCAATTTGCAA-3'
Protein context (NP_077740.1, residues 443-463): FSREASPRSA[Met453Val]STATVTVNVE